The following is an entry in ClinVar:

NM_182699.4(DDX53):c.1496G>T (p.Gly499Val)

Genes: DDX53 (DEAD-box helicase 53; plus strand), PTCHD1-AS (PTCHD1 antisense RNA (head to head); minus strand). Cytogenetic location: Xp22.11.
Variant type: single nucleotide variant.
Coding change: c.1496G>T on transcript NM_182699.4 (MANE Select); coding-DNA position 1496, G replaced by T.
Protein change: p.Gly499Val; replaces glycine 499 with valine.
Molecular consequence: missense variant.
Genome position (GRCh38, 1-based): chrX:23,001,553, G>T. VCF-style: chrX-23001553-G-T. GRCh37 (hg19) VCF-style: chrX-23019670-G-T.
Other names: short protein forms G499V.
Identifiers: ClinVar variation 777789 (VCV000777789.7), dbSNP rs76530462, ClinGen allele CA10368881.

ClinVar aggregate classification (germline): Benign. Review status: criteria provided, multiple submitters, no conflicts (2 of 4 stars). 3 submissions from 3 submitters: Benign (2). 1 of the submissions does not count toward it. Last evaluated 2019-12-31.

Conditions:
DDX53-related disorder. Also called: DDX53-related condition.

Allele frequency attached by ClinVar (database versions not stated): gnomAD exomes 0.00254 and 0.00765; ExAC 0.00971; gnomAD 0.02609 and 0.02789; TOPMed 0.02987; 1000 Genomes Project 0.03046; ESP Exome Variant Server 0.03105; 1000 Genomes Project 30x 0.03309.
gnomAD v4.1: 5,873 of 1,209,612 alleles (0.49%); highest among the groups gnomAD compares: African/African-American, 8.7%; 165 homozygotes.

Submissions (3):

Labcorp Genetics (formerly Invitae), Labcorp
Classification: Benign. Last evaluated: 2019-12-31. Review status: criteria provided, single submitter. Criteria: Invitae Variant Classification Sherloc (09022015). Collection method: clinical testing. Allele origin: germline.

Breakthrough Genomics
Classification: Benign. Review status: criteria provided, single submitter. Criteria: ACMG Guidelines, 2015. Collection method: not provided. Allele origin: germline. Inheritance: Unknown mechanism. Affected: yes.

PreventionGenetics, part of Exact Sciences
Classification: Benign for DDX53-related condition. Last evaluated: 2019-11-26. Review status: no assertion criteria provided. Collection method: clinical testing. Allele origin: germline. Not counted in ClinVar's aggregate classification.
Comment: This variant is classified as benign based on ACMG/AMP sequence variant interpretation guidelines (Richards et al. 2015 PMID: 25741868, with internal and published modifications).